The following is an entry in ClinVar:

ClinVar aggregate classification (germline): Conflicting classifications of pathogenicity. Review status: criteria provided, conflicting classifications (1 of 4 stars). 2 submissions from 2 submitters: Uncertain significance (1); Likely benign (1). Last evaluated 2022-12-14.

Conditions:
Charcot-Marie-Tooth disease type 2. Also called: Charcot-Marie-Tooth type 2. Identifiers: Orphanet 64746, MedGen C0270914, MONDO:0018993.
Inborn genetic diseases. Identifiers: MedGen C0950123, MeSH D030342.

Submissions (2):

Ambry Genetics
Classification: Likely benign for Inborn genetic diseases. Last evaluated: 2022-12-14. Review status: criteria provided, single submitter. Criteria: Ambry Variant Classification Scheme 2023. Collection method: clinical testing. Allele origin: germline.

Labcorp Genetics (formerly Invitae), Labcorp
Classification: Uncertain significance for Charcot-Marie-Tooth disease type 2. Last evaluated: 2022-07-14. Review status: criteria provided, single submitter. Criteria: Invitae Variant Classification Sherloc (09022015). Collection method: clinical testing. Allele origin: germline.
Comment: This sequence change replaces proline, which is neutral and non-polar, with glutamine, which is neutral and polar, at codon 270 of the MED25 protein (p.Pro270Gln). The frequency data for this variant in the population databases is considered unreliable, as metrics indicate poor data quality at this position in the gnomAD database. This variant has not been reported in the literature in individuals affected with MED25-related conditions. Algorithms developed to predict the effect of missense changes on protein structure and function output the following: SIFT: "Tolerated"; PolyPhen-2: "Benign"; Align-GVGD: "Class C0". The glutamine amino acid residue is found in multiple mammalian species, which suggests that this missense change does not adversely affect protein function. In summary, the available evidence is currently insufficient to determine the role of this variant in disease. Therefore, it has been classified as a Variant of Uncertain Significance.

NM_030973.4(MED25):c.809C>A (p.Pro270Gln)

Gene: MED25 (mediator complex subunit 25; plus strand). Cytogenetic location: 19q13.33.
Variant type: single nucleotide variant.
Coding change: c.809C>A on transcript NM_030973.4 (MANE Select); coding-DNA position 809, C replaced by A.
Protein change: p.Pro270Gln; replaces proline 270 with glutamine.
Molecular consequence: missense variant.
Genome position (GRCh38, 1-based): chr19:49,830,208, C>A. VCF-style: chr19-49830208-C-A. GRCh37 (hg19) VCF-style: chr19-50333465-C-A.
Other names: c.809C>A, p.Pro270Gln (NM_001378355.1); short protein forms P270Q.
Identifiers: ClinVar variation 2141133 (VCV002141133.2), dbSNP rs756463606, ClinGen allele CA406914253.
Genomic context (GRCh38, chr19:49,830,208, plus strand): 5'-CCGCACCCTCAGGTGCCACTCTCTCAGCAGCCCCCCAGCAGCCTCTGCCCCCCGTCCCCC[C>A]GCAGTACCAGGTATGGATATTTCCGGGAAGGGACATGCTTCTGGGGACTTGCTGGAGCCC-3'
Protein context (NP_112235.2, residues 260-280): APQQPLPPVP[Pro270Gln]QYQVPGNLSA